The following is an entry in ClinVar:

ClinVar aggregate classification (germline): Uncertain significance (1 of 4 stars; one submission).

Submission:

GeneDx
Classification: Uncertain significance. Last evaluated: 2026-01-26. Review status: criteria provided, single submitter. Criteria: GeneDx Variant Classification Process June 2021. Collection method: clinical testing. Allele origin: germline.
Comment: Not observed at significant frequency in large population cohorts (gnomAD); In silico analysis supports that this missense variant has a deleterious effect on protein structure/function; Has not been previously published as pathogenic or benign to our knowledge

NM_007279.3(U2AF2):c.308C>A (p.Thr103Asn)

Gene: U2AF2 (U2 small nuclear RNA auxiliary factor 2; plus strand). Cytogenetic location: 19q13.42.
Variant type: single nucleotide variant.
Coding change: c.308C>A on transcript NM_007279.3 (MANE Select); coding-DNA position 308, C replaced by A.
Protein change: p.Thr103Asn; replaces threonine 103 with asparagine.
Molecular consequence: missense variant.
Genome position (GRCh38, 1-based): chr19:55,660,593, C>A. VCF-style: chr19-55660593-C-A. GRCh37 (hg19) VCF-style: chr19-56171959-C-A.
Other names: c.308C>A, p.Thr103Asn (NM_001012478.2); short protein forms T103N.
Identifiers: ClinVar variation 4975675 (VCV004975675.1).